The following is an entry in ClinVar:

NM_000278.5(PAX2):c.616+6G>C

Gene: PAX2 (paired box 2; plus strand). Cytogenetic location: 10q24.31.
Variant type: single nucleotide variant.
Coding change: c.616+6G>C on transcript NM_000278.5 (MANE Select); 6 bases into the intron after coding-DNA position 616, G replaced by C.
Molecular consequence: intron variant.
Genome position (GRCh38, 1-based): chr10:100,781,371, G>C. VCF-style: chr10-100781371-G-C. GRCh37 (hg19) VCF-style: chr10-102541128-G-C.
Other names: c.709+6G>C (NM_001304569.2); c.616+6G>C (NM_003987.5, NM_003990.5, NM_003988.5 and 1 more transcripts).
Identifiers: ClinVar variation 860696 (VCV000860696.11), dbSNP rs180903301, ClinGen allele CA5650773.
Genomic context (GRCh38, chr10:100,781,371, plus strand): 5'-AATGGGATCCTGGGGATTCCTCGCTCCAATGGTGAGAAGAGGAAACGTGATGAAGGTAGG[G>C]AGGAGGGAAGAGGTGTGGCTTCCCCTTCACATGCTTTGTCCTTGGACTCCAAGCTCCGGT-3'

ClinVar aggregate classification (germline): Conflicting classifications of pathogenicity. Review status: criteria provided, conflicting classifications (1 of 4 stars). 3 submissions from 3 submitters: Uncertain significance (2); Likely benign (1). Last evaluated 2026-01-19.

Conditions:
Focal segmental glomerulosclerosis 7 (FSGS7). Identifiers: Orphanet 656, MedGen C4014925, MONDO:0014451, OMIM 616002.
Renal coloboma syndrome (PAPRS). Also called: OPTIC COLOBOMA, VESICOURETERAL REFLUX, AND RENAL ANOMALIES; OPTIC NERVE COLOBOMA WITH RENAL DISEASE; PAPILLORENAL SYNDROME; RENAL-COLOBOMA SYNDROME WITH MACULAR ABNORMALITIES; PAPILLORENAL SYNDROME WITH MILD OCULAR ABNORMALITIES; CONGENITAL ANOMALIES OF THE KIDNEY AND URINARY TRACT WITH OR WITHOUT OCULAR ABNORMALITIES. Identifiers: Orphanet 1475, MedGen C1852759, MONDO:0007352, OMIM 120330.

Allele frequency attached by ClinVar (database versions not stated): gnomAD exomes 0.00003 and 0.00004; ExAC 0.00005; gnomAD 0.00009; TOPMed 0.00012; 1000 Genomes Project 0.00040; 1000 Genomes Project 30x 0.00047.
gnomAD v4.1: 66 of 1,614,076 alleles (0.0041%); highest among the groups gnomAD compares: Middle Eastern, 0.13%; 1 homozygote.

Submissions (3):

Labcorp Genetics (formerly Invitae), Labcorp
Classification: Uncertain significance for Renal coloboma syndrome; Focal segmental glomerulosclerosis 7. Last evaluated: 2026-01-19. Review status: criteria provided, single submitter. Criteria: Invitae Variant Classification Sherloc (09022015). Collection method: clinical testing. Allele origin: germline.
Comment: This sequence change falls in intron 5 of the PAX2 gene. It does not directly change the encoded amino acid sequence of the PAX2 protein. It affects a nucleotide within the consensus splice site. This variant is present in population databases (rs180903301, gnomAD 0.05%), and has an allele count higher than expected for a pathogenic variant. This variant has not been reported in the literature in individuals affected with PAX2-related conditions. ClinVar contains an entry for this variant (Variation ID: 860696). Variants that disrupt the consensus splice site are a relatively common cause of aberrant splicing (PMID: 17576681, 9536098). Algorithms developed to predict the effect of sequence changes on RNA splicing suggest that this variant is not likely to affect RNA splicing. In summary, the available evidence is currently insufficient to determine the role of this variant in disease. Therefore, it has been classified as a Variant of Uncertain Significance.

GeneDx
Classification: Uncertain significance. Last evaluated: 2025-11-10. Review status: criteria provided, single submitter. Criteria: GeneDx Variant Classification Process June 2021. Collection method: clinical testing. Allele origin: germline. Affected: yes.
Comment: In silico analysis suggests that this variant does not alter splicing; Has not been previously published as pathogenic or benign to our knowledge

Blueprint Genetics
Classification: Likely benign. Last evaluated: 2024-07-19. Review status: criteria provided, single submitter. Criteria: ACMG Guidelines, 2015. Collection method: clinical testing. Allele origin: germline.

Literature cited by the submitters: PubMed 17576681 (cited by Labcorp Genetics (formerly Invitae), Labcorp); PubMed 9536098 (cited by Labcorp Genetics (formerly Invitae), Labcorp).